The following is an entry in ClinVar:

ClinVar aggregate classification (germline): Uncertain significance (1 of 4 stars; one submission).

Conditions:
Kabuki syndrome. Also called: Kabuki make-up syndrome; NIIKAWA-KUROKI SYNDROME. Identifiers: Orphanet 2322, MedGen C0796004, MONDO:0016512.

gnomAD v4.1: 3 of 1,550,506 alleles (0.00019%); highest among the groups gnomAD compares: Non-Finnish European, 0.00026%; no homozygotes.

Submission:

Labcorp Genetics (formerly Invitae), Labcorp
Classification: Uncertain significance for Kabuki syndrome. Last evaluated: 2022-11-15. Review status: criteria provided, single submitter. Criteria: Invitae Variant Classification Sherloc (09022015). Collection method: clinical testing. Allele origin: germline.
Comment: In summary, the available evidence is currently insufficient to determine the role of this variant in disease. Therefore, it has been classified as a Variant of Uncertain Significance. Advanced modeling of protein sequence and biophysical properties (such as structural, functional, and spatial information, amino acid conservation, physicochemical variation, residue mobility, and thermodynamic stability) performed at Invitae indicates that this missense variant is not expected to disrupt KMT2D protein function. This variant has not been reported in the literature in individuals affected with KMT2D-related conditions. This variant is not present in population databases (gnomAD no frequency). This sequence change replaces leucine, which is neutral and non-polar, with valine, which is neutral and non-polar, at codon 3847 of the KMT2D protein (p.Leu3847Val).

NM_003482.4(KMT2D):c.11539C>G (p.Leu3847Val)

Gene: KMT2D (lysine methyltransferase 2D; minus strand). Cytogenetic location: 12q13.12.
Variant type: single nucleotide variant.
Coding change: c.11539C>G on transcript NM_003482.4 (MANE Select); coding-DNA position 11539, C replaced by G.
Protein change: p.Leu3847Val; replaces leucine 3847 with valine.
Molecular consequence: missense variant.
Genome position (GRCh38, 1-based): chr12:49,033,166, G>C on the plus strand (C>G on the coding strand, the complement: KMT2D is on the minus strand). VCF-style: chr12-49033166-G-C. GRCh37 (hg19) VCF-style: chr12-49426949-G-C.
Other names: short protein forms L3847V.
Identifiers: ClinVar variation 2799355 (VCV002799355.3), dbSNP rs2498362757, ClinGen allele CA384717812.